The following is an entry in ClinVar:

NM_004006.3(DMD):c.3277-1G>A

Gene: DMD (dystrophin; minus strand). Cytogenetic location: Xp21.1.
Variant type: single nucleotide variant.
Coding change: c.3277-1G>A on transcript NM_004006.3 (MANE Select); the canonical splice acceptor site of the intron before coding-DNA position 3277, G replaced by A.
Molecular consequence: splice acceptor variant.
Genome position (GRCh38, 1-based): chrX:32,463,595, C>T on the plus strand (G>A on the coding strand, the complement: DMD is on the minus strand). VCF-style: chrX-32463595-C-T. GRCh37 (hg19) VCF-style: chrX-32481712-C-T.
Other names: c.3253-1G>A (NM_000109.4); c.3265-1G>A (NM_004009.3); c.2908-1G>A (NM_004010.3).
Identifiers: ClinVar variation 1806435 (VCV001806435.1), dbSNP rs2148419974, ClinGen allele CA412664635.

ClinVar aggregate classification (germline): Pathogenic (1 of 4 stars; one submission).

Conditions:
Duchenne muscular dystrophy (DMD). Also called: MUSCULAR DYSTROPHY, PSEUDOHYPERTROPHIC PROGRESSIVE, DUCHENNE TYPE; Duchenne Muscular Dystrophy (DMD). Identifiers: Orphanet 98896, MedGen C0013264, MONDO:0010679, OMIM 310200.

Submission:

Laboratory of Medical Genetics, National & Kapodistrian University of Athens
Classification: Pathogenic for Duchenne muscular dystrophy. Last evaluated: 2022-12-16. Review status: criteria provided, single submitter. Criteria: ACMG Guidelines, 2015. Collection method: clinical testing. Allele origin: germline. Affected: yes.
Comment: PVS1, PM2, PP5